The following is an entry in ClinVar:

ClinVar aggregate classification (germline): Likely pathogenic. Review status: criteria provided, single submitter (1 of 4 stars). 2 submissions from 2 submitters: Likely pathogenic (1). 1 of the submissions does not count toward it. Last evaluated 2018-11-16.

Conditions:
Hereditary factor XI deficiency disease. Also called: PLASMA THROMBOPLASTIN ANTECEDENT DEFICIENCY; PTA DEFICIENCY; ROSENTHAL SYNDROME; Congenital factor XI deficiency. Identifiers: Orphanet 329, MedGen C0015523, MeSH D005173, MONDO:0012897, OMIM 612416.

Allele frequency attached by ClinVar (database versions not stated): gnomAD exomes below 0.00001.
gnomAD v4.1: 2 of 1,605,612 alleles (0.00012%); highest among the groups gnomAD compares: South Asian, 0.0022%; no homozygotes.

Submissions (2):

Labcorp Genetics (formerly Invitae), Labcorp
Classification: Likely pathogenic. Last evaluated: 2018-11-16. Review status: criteria provided, single submitter. Criteria: Invitae Variant Classification Sherloc (09022015). Collection method: clinical testing. Allele origin: germline.
Comment: Donor and acceptor splice site variants typically lead to a loss of protein function (PMID: 16199547), and loss-of-function variants in F11 are known to be pathogenic (PMID: 23929304). This sequence change affects an acceptor splice site in intron 5 of the F11 gene. It is expected to disrupt RNA splicing and likely results in an absent or disrupted protein product. This variant is not present in population databases (ExAC no frequency). This variant has been observed in individuals affected with factor XI deficiency (PMID: 12716376, 16835901, 16607084). ClinVar contains an entry for this variant (Variation ID: 370695). Algorithms developed to predict the effect of sequence changes on RNA splicing suggest that this variant may disrupt the consensus splice site, but this prediction has not been confirmed by published transcriptional studies. In summary, the currently available evidence indicates that the variant is pathogenic, but additional data are needed to prove that conclusively. Therefore, this variant has been classified as Likely Pathogenic.

Counsyl
Classification: Likely pathogenic for Hereditary factor XI deficiency disease. Last evaluated: 2016-03-24. Review status: no assertion criteria provided. Collection method: clinical testing. Allele origin: unknown. Not counted in ClinVar's aggregate classification.

Literature cited by the submitters: PubMed 16199547 (cited by Labcorp Genetics (formerly Invitae), Labcorp); PubMed 23929304 (cited by Labcorp Genetics (formerly Invitae), Labcorp); PubMed 12716376 (cited by Labcorp Genetics (formerly Invitae), Labcorp and Counsyl); PubMed 16835901 (cited by Labcorp Genetics (formerly Invitae), Labcorp and Counsyl); PubMed 16607084 (cited by Labcorp Genetics (formerly Invitae), Labcorp and Counsyl).

NM_000128.4(F11):c.486-2A>G

Gene: F11 (coagulation factor XI; plus strand). Cytogenetic location: 4q35.2.
Variant type: single nucleotide variant.
Coding change: c.486-2A>G on transcript NM_000128.4 (MANE Select); the canonical splice acceptor site of the intron before coding-DNA position 486, A replaced by G.
Molecular consequence: splice acceptor variant.
Genome position (GRCh38, 1-based): chr4:186,275,785, A>G. VCF-style: chr4-186275785-A-G. GRCh37 (hg19) VCF-style: chr4-187196939-A-G.
Identifiers: ClinVar variation 370695 (VCV000370695.12), dbSNP rs1057516695, ClinGen allele CA16040943.
Genomic context (GRCh38, chr4:186,275,785, plus strand): 5'-TCATGTTTTTTCCTCCTTGCAGTTGGAAGAATAAGACACTTTTCCTTTTTCTTTTTATTC[A>G]GTAACATTTGTCTACTGAAGCACACCCAAACAGGGACACCAACCAGAATAACGAAGCTCG-3'